The following is an entry in ClinVar:

NM_022569.3(NDST4):c.1833T>C (p.Tyr611=)

Gene: NDST4 (N-deacetylase and N-sulfotransferase 4; minus strand). Cytogenetic location: 4q26.
Variant type: single nucleotide variant.
Coding change: c.1833T>C on transcript NM_022569.3 (MANE Select); coding-DNA position 1833, T replaced by C.
Protein change: p.Tyr611=; no amino-acid change (tyrosine 611 retained).
Molecular consequence: synonymous variant.
Genome position (GRCh38, 1-based): chr4:114,848,322, A>G on the plus strand (T>C on the coding strand, the complement: NDST4 is on the minus strand). VCF-style: chr4-114848322-A-G. GRCh37 (hg19) VCF-style: chr4-115769478-A-G.
Identifiers: ClinVar variation 2655048 (VCV002655048.24), dbSNP rs146949694, ClinGen allele CA3053992.

ClinVar aggregate classification (germline): Likely benign (1 of 4 stars; one submission).

Allele frequency attached by ClinVar (database versions not stated): ESP Exome Variant Server 0.00015; TOPMed 0.00017; gnomAD 0.00040; gnomAD exomes 0.00055; 1000 Genomes Project 0.00060; 1000 Genomes Project 30x 0.00062; ExAC 0.00113.
gnomAD v4.1: 861 of 1,596,858 alleles (0.054%); highest among the groups gnomAD compares: South Asian, 0.65%; 6 homozygotes.

Submission:

CeGaT Center for Human Genetics Tuebingen
Classification: Likely benign. Last evaluated: 2022-10-01. Review status: criteria provided, single submitter. Criteria: CeGaT Center For Human Genetics Tuebingen Variant Classification Criteria Version 2. Collection method: clinical testing. Allele origin: germline. Affected: yes. Observed: 1 variant allele.
Comment: NDST4: BP4, BP7